The following is an entry in ClinVar:

NM_198253.3(TERT):c.518C>A (p.Pro173Gln)

Gene: TERT (telomerase reverse transcriptase; minus strand). Cytogenetic location: 5p15.33.
Variant type: single nucleotide variant.
Coding change: c.518C>A on transcript NM_198253.3 (MANE Select); coding-DNA position 518, C replaced by A.
Protein change: p.Pro173Gln; replaces proline 173 with glutamine.
Molecular consequence: missense variant. On other transcripts: non-coding transcript variant (2).
Genome position (GRCh38, 1-based): chr5:1,294,368, G>T on the plus strand (C>A on the coding strand, the complement: TERT is on the minus strand). VCF-style: chr5-1294368-G-T. GRCh37 (hg19) VCF-style: chr5-1294483-G-T.
Other names: c.518C>A, p.Pro173Gln (NM_001193376.3, NM_003219.1); short protein forms P173Q.
Identifiers: ClinVar variation 3238469 (VCV003238469.1), dbSNP rs2478426429.
Genomic context (GRCh38, chr5:1,294,368, plus strand): 5'-GGTCCACTAGCGTGTGGCGGGGGCCGGGCCTGAGTGGCAGCGCCGAGCTGGTACAGCGGC[G>T]GCCCGCACACCTGGTAGGCGCAGCTGGGAGCCACCAGCACAAAGAGCGCGCAGCGTGCCA-3'
Protein context (NP_937983.2, residues 163-183): APSCAYQVCG[Pro173Gln]PLYQLGAATQ

ClinVar aggregate classification (germline): Uncertain significance (1 of 4 stars; one submission).

Conditions:
Dyskeratosis congenita. Identifiers: Orphanet 1775, MedGen C0265965, MONDO:0015780.

Allele frequency attached by ClinVar (database versions not stated): gnomAD exomes below 0.00001.
gnomAD v4.1: 2 of 1,576,344 alleles (0.00013%); highest among the groups gnomAD compares: Non-Finnish European, 0.00017%; no homozygotes.

Submission:

Ambry Genetics
Classification: Uncertain significance for Dyskeratosis congenita. Last evaluated: 2023-08-30. Review status: criteria provided, single submitter. Criteria: Ambry Variant Classification Scheme 2023. Collection method: clinical testing. Allele origin: germline.
Comment: The p.P173Q variant (also known as c.518C>A), located in coding exon 2 of the TERT gene, results from a C to A substitution at nucleotide position 518. The proline at codon 173 is replaced by glutamine, an amino acid with similar properties. This amino acid position is conserved. In addition, the in silico prediction for this alteration is inconclusive. Since supporting evidence is limited at this time, the clinical significance of this alteration remains unclear.